The following is an entry in ClinVar:

ClinVar aggregate classification (germline): Uncertain significance (1 of 4 stars; one submission).

Allele frequency attached by ClinVar (database versions not stated): gnomAD exomes below 0.00001.
gnomAD v4.1: 1 of 1,613,908 alleles (0.000062%); highest among the groups gnomAD compares: East Asian, 0.0022%; no homozygotes.

Submission:

Labcorp Genetics (formerly Invitae), Labcorp
Classification: Uncertain significance. Last evaluated: 2022-06-27. Review status: criteria provided, single submitter. Criteria: Invitae Variant Classification Sherloc (09022015). Collection method: clinical testing. Allele origin: germline.
Comment: In summary, the available evidence is currently insufficient to determine the role of this variant in disease. Therefore, it has been classified as a Variant of Uncertain Significance. Algorithms developed to predict the effect of missense changes on protein structure and function are either unavailable or do not agree on the potential impact of this missense change (SIFT: "Deleterious"; PolyPhen-2: "Possibly Damaging"; Align-GVGD: "Class C0"). This variant has not been reported in the literature in individuals affected with KIF21B-related conditions. This variant is present in population databases (no rsID available, gnomAD 0.006%). This sequence change replaces alanine, which is neutral and non-polar, with aspartic acid, which is acidic and polar, at codon 465 of the KIF21B protein (p.Ala465Asp).

NM_001252102.2(KIF21B):c.1394C>A (p.Ala465Asp)

Gene: KIF21B (kinesin family member 21B; minus strand). Cytogenetic location: 1q32.1.
Variant type: single nucleotide variant.
Coding change: c.1394C>A on transcript NM_001252102.2 (MANE Select); coding-DNA position 1394, C replaced by A.
Protein change: p.Ala465Asp; replaces alanine 465 with aspartic acid.
Molecular consequence: missense variant.
Genome position (GRCh38, 1-based): chr1:201,002,169, G>T on the plus strand (C>A on the coding strand, the complement: KIF21B is on the minus strand). VCF-style: chr1-201002169-G-T. GRCh37 (hg19) VCF-style: chr1-200971297-G-T.
Other names: c.1394C>A, p.Ala465Asp (NM_001252100.2, NM_001252103.2, NM_017596.4); short protein forms A465D.
Identifiers: ClinVar variation 2011283 (VCV002011283.4), dbSNP rs1173110225, ClinGen allele CA344105385.